The following is an entry in ClinVar:

ClinVar aggregate classification (germline): Uncertain significance. Review status: criteria provided, multiple submitters, no conflicts (2 of 4 stars). 2 submissions from 2 submitters: Uncertain significance (2). Last evaluated 2024-10-16.

Conditions:
Aortic aneurysm, familial thoracic 4 (AAT4). Also called: AORTIC ANEURYSM/AORTIC DISSECTION AND PATENT DUCTUS ARTERIOSUS. Identifiers: MedGen C1851504, MONDO:0007568, OMIM 132900.

Allele frequency attached by ClinVar (database versions not stated): gnomAD exomes below 0.00001; gnomAD 0.00001; TOPMed 0.00001.
gnomAD v4.1: 5 of 1,614,016 alleles (0.00031%); highest among the groups gnomAD compares: Admixed American, 0.005%; no homozygotes.

Submissions (2):

Labcorp Genetics (formerly Invitae), Labcorp
Classification: Uncertain significance for Aortic aneurysm, familial thoracic 4. Last evaluated: 2024-10-16. Review status: criteria provided, single submitter. Criteria: Invitae Variant Classification Sherloc (09022015). Collection method: clinical testing. Allele origin: germline.
Comment: This sequence change replaces alanine, which is neutral and non-polar, with threonine, which is neutral and polar, at codon 1318 of the MYH11 protein (p.Ala1318Thr). This variant is present in population databases (no rsID available, gnomAD 0.003%). This variant has not been reported in the literature in individuals affected with MYH11-related conditions. ClinVar contains an entry for this variant (Variation ID: 2433867). Invitae Evidence Modeling of protein sequence and biophysical properties (such as structural, functional, and spatial information, amino acid conservation, physicochemical variation, residue mobility, and thermodynamic stability) indicates that this missense variant is not expected to disrupt MYH11 protein function with a negative predictive value of 95%. In summary, the available evidence is currently insufficient to determine the role of this variant in disease. Therefore, it has been classified as a Variant of Uncertain Significance.

Revvity Omics, Revvity
Classification: Uncertain significance. Last evaluated: 2019-05-30. Review status: criteria provided, single submitter. Criteria: ACMG Guidelines, 2015. Collection method: clinical testing. Allele origin: germline.

NM_002474.3(MYH11):c.3931G>A (p.Ala1311Thr)

Genes: NDE1 (nudE neurodevelopment protein 1; plus strand), MYH11 (myosin heavy chain 11; minus strand). Cytogenetic location: 16p13.11.
Variant type: single nucleotide variant.
Coding change: c.3931G>A on transcript NM_002474.3 (MANE Select); coding-DNA position 3931, G replaced by A.
Protein change: p.Ala1311Thr; replaces alanine 1311 with threonine.
Molecular consequence: missense variant. On other transcripts: 3 prime UTR variant (2).
Genome position (GRCh38, 1-based): chr16:15,724,920, C>T on the plus strand (G>A on the coding strand, the complement: MYH11 is on the minus strand). VCF-style: chr16-15724920-C-T. GRCh37 (hg19) VCF-style: chr16-15818777-C-T.
Other names: c.3952G>A, p.Ala1318Thr (NM_001040113.2, NM_001040114.2); c.3931G>A, p.Ala1311Thr (NM_022844.3); c.*669C>T (NM_001143979.2, NM_017668.3); short protein forms A1311T, A1318T.
Identifiers: ClinVar variation 2433867 (VCV002433867.4), dbSNP rs1483548054, ClinGen allele CA394858931.